The following is an entry in ClinVar:

NM_000807.4(GABRA2):c.*2T>A

Gene: GABRA2 (gamma-aminobutyric acid type A receptor subunit alpha2; minus strand). Cytogenetic location: 4p12.
Variant type: single nucleotide variant.
Coding change: c.*2T>A on transcript NM_000807.4 (MANE Select); 2 bases downstream of the stop codon, T replaced by A.
Molecular consequence: 3 prime UTR variant.
Genome position (GRCh38, 1-based): chr4:46,250,306, A>T on the plus strand (T>A on the coding strand, the complement: GABRA2 is on the minus strand). VCF-style: chr4-46250306-A-T. GRCh37 (hg19) VCF-style: chr4-46252323-A-T.
Other names: c.*2T>A (NM_001114175.3, NM_001286827.3, NM_001330690.2 and 11 more transcripts).
Identifiers: ClinVar variation 3038829 (VCV003038829.2), dbSNP rs76026776, ClinGen allele CA2906527.
Genomic context (GRCh38, chr4:46,250,306, plus strand): 5'-ACATAGCAAAACAAACCAAATTTAATGTTGCTATACATCCCAAAGATAACATGGGTCTCA[A>T]TTCAAGGACTGACCCCTAATACAGGTTCTCTGTTTAAATATGTAGCCCAGTAAACTAAAT-3'

ClinVar aggregate classification (germline): Benign (0 of 4 stars; one submission).

Conditions:
GABRA2-related disorder. Also called: GABRA2-related condition.

Allele frequency attached by ClinVar (database versions not stated): ExAC 0.00403; 1000 Genomes Project 30x 0.01124; 1000 Genomes Project 0.01198; gnomAD 0.01254; TOPMed 0.01377; ESP Exome Variant Server 0.01570.
gnomAD v4.1: 3,781 of 1,606,202 alleles (0.24%); highest among the groups gnomAD compares: African/African-American, 4.4%; 79 homozygotes.

Submission:

PreventionGenetics, part of Exact Sciences
Classification: Benign for GABRA2-related condition. Last evaluated: 2019-11-25. Review status: no assertion criteria provided. Collection method: clinical testing. Allele origin: germline.
Comment: This variant is classified as benign based on ACMG/AMP sequence variant interpretation guidelines (Richards et al. 2015 PMID: 25741868, with internal and published modifications).